The following is an entry in ClinVar:

ClinVar aggregate classification (germline): Uncertain significance (1 of 4 stars; one submission).

Submission:

GeneDx
Classification: Uncertain significance. Last evaluated: 2023-07-07. Review status: criteria provided, single submitter. Criteria: GeneDx Variant Classification Process June 2021. Collection method: clinical testing. Allele origin: germline. Affected: yes.
Comment: Not observed at significant frequency in large population cohorts (gnomAD); Nonsense variant predicted to result in protein truncation as the last 316 amino acids are lost in a gene for which loss-of-function is not an established mechanism of disease; Has not been previously published as pathogenic or benign to our knowledge

NM_032108.4(SEMA6B):c.1718C>A (p.Ser573Ter)

Gene: SEMA6B (semaphorin 6B; minus strand). Cytogenetic location: 19p13.3.
Variant type: single nucleotide variant.
Coding change: c.1718C>A on transcript NM_032108.4 (MANE Select); coding-DNA position 1718, C replaced by A.
Protein change: p.Ser573Ter; replaces serine 573 with a stop codon.
Molecular consequence: nonsense.
Genome position (GRCh38, 1-based): chr19:4,546,236, G>T on the plus strand (C>A on the coding strand, the complement: SEMA6B is on the minus strand). VCF-style: chr19-4546236-G-T. GRCh37 (hg19) VCF-style: chr19-4546248-G-T.
Other names: short protein forms S573*.
Identifiers: ClinVar variation 3360914 (VCV003360914.1).
Genomic context (GRCh38, chr19:4,546,236, plus strand): 5'-TGGGGGATGGGGGTCTTAGCCTGCCGTCCCCCCAACTCACCTGTGCAGTCCCCTAAGCCT[G>T]AGGTGCTGGCCCCGGACACGTCCTGCTCAAAGGCGGCTCTAATGGGGAGAGGAGGCACCG-3'